The following is an entry in ClinVar:

ClinVar aggregate classification (germline): Uncertain significance. Review status: criteria provided, multiple submitters, no conflicts (2 of 4 stars). 2 submissions from 2 submitters: Uncertain significance (2). Last evaluated 2026-01-28.

Conditions:
Pheochromocytoma. Also called: MAX-Related Hereditary Paraganglioma-Pheochromocytoma Syndrome. Identifiers: Orphanet 29072, MedGen C0031511, MONDO:0008233, OMIM 171300, HP:0002666.
Gastrointestinal stromal tumor. Also called: Gastrointestinal stromal tumor, somatic; Gastrointestinal stroma tumor. Identifiers: Orphanet 44890, MedGen C0238198, MeSH D046152, MONDO:0011719, OMIM 606764, HP:0100723.
Pheochromocytoma/paraganglioma syndrome 4. Also called: CAROTID BODY TUMORS AND MULTIPLE EXTRAADRENAL PHEOCHROMOCYTOMAS; SDHB-Related Hereditary Paraganglioma-Pheochromocytoma Syndrome (Paragangliomas 4); Paragangliomas 4; SDHB-Related Hereditary Paraganglioma-Pheochromocytoma Syndrome; PARAGANGLIOMA, FAMILIAL MALIGNANT; PARAGANGLIOMAS, HEREDITARY EXTRAADRENAL. Identifiers: Orphanet 29072, MedGen C1861848, MONDO:0007273, OMIM 115310.
Hereditary cancer-predisposing syndrome. Also called: Tumor predisposition; Neoplastic Syndromes, Hereditary; Hereditary neoplastic syndrome; Hereditary Cancer Syndrome. Identifiers: Orphanet 140162, MedGen C0027672, MeSH D009386, MONDO:0015356.

Allele frequency attached by ClinVar (database versions not stated): gnomAD exomes below 0.00001.

Submissions (2):

Labcorp Genetics (formerly Invitae), Labcorp
Classification: Uncertain significance for Gastrointestinal stromal tumor; Pheochromocytoma/paraganglioma syndrome 4; Pheochromocytoma. Last evaluated: 2026-01-28. Review status: criteria provided, single submitter. Criteria: Invitae Variant Classification Sherloc (09022015). Collection method: clinical testing. Allele origin: germline.
Comment: This sequence change replaces alanine, which is neutral and non-polar, with serine, which is neutral and polar, at codon 6 of the SDHB protein (p.Ala6Ser). This variant is not present in population databases (gnomAD no frequency). This variant has not been reported in the literature in individuals affected with SDHB-related conditions. ClinVar contains an entry for this variant (Variation ID: 1056014). Invitae Evidence Modeling of protein sequence and biophysical properties (such as structural, functional, and spatial information, amino acid conservation, physicochemical variation, residue mobility, and thermodynamic stability) indicates that this missense variant is not expected to disrupt SDHB protein function with a negative predictive value of 95%. In summary, the available evidence is currently insufficient to determine the role of this variant in disease. Therefore, it has been classified as a Variant of Uncertain Significance.

Ambry Genetics
Classification: Uncertain significance for Hereditary cancer-predisposing syndrome. Last evaluated: 2024-05-04. Review status: criteria provided, single submitter. Criteria: Ambry Variant Classification Scheme 2023. Collection method: clinical testing. Allele origin: germline.
Comment: The p.A6S variant (also known as c.16G>T), located in coding exon 1 of the SDHB gene, results from a G to T substitution at nucleotide position 16. The alanine at codon 6 is replaced by serine, an amino acid with similar properties. This amino acid position is conserved. In addition, this alteration is predicted to be tolerated by in silico analysis. Since supporting evidence is limited at this time, the clinical significance of this alteration remains unclear.

NM_003000.3(SDHB):c.16G>T (p.Ala6Ser)

Gene: SDHB (succinate dehydrogenase complex iron sulfur subunit B; minus strand). Cytogenetic location: 1p36.13.
Variant type: single nucleotide variant.
Coding change: c.16G>T on transcript NM_003000.3 (MANE Select); coding-DNA position 16, G replaced by T.
Protein change: p.Ala6Ser; replaces alanine 6 with serine.
Molecular consequence: missense variant.
Genome position (GRCh38, 1-based): chr1:17,054,004, C>A on the plus strand (G>T on the coding strand, the complement: SDHB is on the minus strand). VCF-style: chr1-17054004-C-A. GRCh37 (hg19) VCF-style: chr1-17380499-C-A.
Other names: short protein forms A6S.
Identifiers: ClinVar variation 1056014 (VCV001056014.8), dbSNP rs1472284221, ClinGen allele CA338230853.